The following is an entry in ClinVar:

NC_000023.10:g.(?_83372068)_(86890775_?)del

Genes: KLHL4 (kelch like family member 4; plus strand), POF1B (POF1B actin binding protein; minus strand), APOOL (apolipoprotein O like; plus strand), CHM (CHM Rab escort protein; minus strand), DACH2 (dachshund family transcription factor 2; plus strand) and 4 more. Cytogenetic location: Xq21.1-21.31.
Variant type: Deletion.
Identifiers: ClinVar variation 832217 (VCV000832217.1).

ClinVar aggregate classification (germline): Pathogenic (1 of 4 stars; one submission).

Submission:

Labcorp Genetics (formerly Invitae), Labcorp
Classification: Pathogenic. Last evaluated: 2019-11-24. Review status: criteria provided, single submitter. Criteria: Invitae Variant Classification Sherloc (09022015). Collection method: clinical testing. Allele origin: germline.
Comment: A gross deletion of the genomic region encompassing the full coding sequence of the CHM gene has been identified. The boundaries of this event are unknown as the deletion extends beyond the assayed region for this gene and therefore may encompass additional genes. A similar deletion has been observed in several individuals affected with choroideremia (PMID: 26133251, 7981671, 21905166, 23811034) and segregated with choroideremia in several families (PMID: 8749050, 17698759). Larger deletions involving this and neighboring genes have also been reported in families with choroideremia, deafness, and intellectual disability (PMID: 3476958). Loss-of-function variants in CHM are known to be pathogenic (PMID: 9067750, 23811034). For these reasons, this variant has been classified as Pathogenic.

Literature cited by the submitters: PubMed 21905166; PubMed 8749050; PubMed 23811034; PubMed 26133251; PubMed 17698759; PubMed 7981671; PubMed 3476958.